The following is an entry in ClinVar:

NM_001261826.3(AP3D1):c.1943A>G (p.Glu648Gly)

Gene: AP3D1 (adaptor related protein complex 3 subunit delta 1; minus strand). Cytogenetic location: 19p13.3.
Variant type: single nucleotide variant.
Coding change: c.1943A>G on transcript NM_001261826.3 (MANE Select); coding-DNA position 1943, A replaced by G.
Protein change: p.Glu648Gly; replaces glutamic acid 648 with glycine.
Molecular consequence: missense variant.
Genome position (GRCh38, 1-based): chr19:2,116,663, T>C on the plus strand (A>G on the coding strand, the complement: AP3D1 is on the minus strand). VCF-style: chr19-2116663-T-C. GRCh37 (hg19) VCF-style: chr19-2116662-T-C.
Other names: c.1943A>G (NM_003938.5); c.1943A>G, p.Glu648Gly (NM_001374799.1, NM_003938.8); short protein forms E648G.
Identifiers: ClinVar variation 3615696 (VCV003615696.3).

ClinVar aggregate classification (germline): Uncertain significance. Review status: criteria provided, multiple submitters, no conflicts (2 of 4 stars). 2 submissions from 2 submitters: Uncertain significance (2). Last evaluated 2025-08-27.

Conditions:
Inborn genetic diseases. Identifiers: MedGen C0950123, MeSH D030342.

gnomAD v4.1: 1 of 1,607,350 alleles (0.000062%); no homozygotes.

Submissions (2):

Ambry Genetics
Classification: Uncertain significance for Inborn genetic diseases. Last evaluated: 2025-08-27. Review status: criteria provided, single submitter. Criteria: Ambry Variant Classification Scheme 2023. Collection method: clinical testing. Allele origin: germline.

Labcorp Genetics (formerly Invitae), Labcorp
Classification: Uncertain significance. Last evaluated: 2024-02-09. Review status: criteria provided, single submitter. Criteria: Invitae Variant Classification Sherloc (09022015). Collection method: clinical testing. Allele origin: germline.
Comment: This sequence change replaces glutamic acid, which is acidic and polar, with glycine, which is neutral and non-polar, at codon 648 of the AP3D1 protein (p.Glu648Gly). This variant is not present in population databases (gnomAD no frequency). This variant has not been reported in the literature in individuals affected with AP3D1-related conditions. An algorithm developed to predict the effect of missense changes on protein structure and function (PolyPhen-2) suggests that this variant is likely to be tolerated. In summary, the available evidence is currently insufficient to determine the role of this variant in disease. Therefore, it has been classified as a Variant of Uncertain Significance.